The following is an entry in ClinVar:

NM_002880.4(RAF1):c.208-239T>C

Gene: RAF1 (Raf-1 proto-oncogene, serine/threonine kinase; minus strand). Cytogenetic location: 3p25.2.
Variant type: single nucleotide variant.
Coding change: c.208-239T>C on transcript NM_002880.4 (MANE Select); 239 bases into the intron before coding-DNA position 208, T replaced by C.
Molecular consequence: intron variant.
Genome position (GRCh38, 1-based): chr3:12,612,301, A>G on the plus strand (T>C on the coding strand, the complement: RAF1 is on the minus strand). VCF-style: chr3-12612301-A-G. GRCh37 (hg19) VCF-style: chr3-12653800-A-G.
Other names: c.78-2966T>C (NM_001354695.3, NM_001354692.3, NM_001354694.3 and 1 more transcripts); c.208-239T>C (NM_001354693.3, NM_001354689.3, NM_001354690.3).
Identifiers: ClinVar variation 561587 (VCV000561587.1), dbSNP rs5746195, ClinGen allele CA11494189.

ClinVar aggregate classification (germline): Benign (1 of 4 stars; one submission).

Allele frequency attached by ClinVar (database versions not stated): 1000 Genomes Project 0.17332; 1000 Genomes Project 30x 0.17833; gnomAD 0.21106 and 0.21861; TOPMed 0.21282.
gnomAD v4.1: 32,108 of 152,162 alleles (21%); highest among the groups gnomAD compares: African/African-American, 29%; 3,644 homozygotes.

Submission:

GeneDx
Classification: Benign. Last evaluated: 2018-06-14. Review status: criteria provided, single submitter. Criteria: GeneDx Variant Classification (06012015). Collection method: clinical testing. Allele origin: germline. Affected: yes.
Comment: This variant is considered likely benign or benign based on one or more of the following criteria: it is a conservative change, it occurs at a poorly conserved position in the protein, it is predicted to be benign by multiple in silico algorithms, and/or has population frequency not consistent with disease.